The following is an entry in ClinVar:

NM_025216.3(WNT10A):c.408C>G (p.Ile136Met)

Gene: WNT10A (Wnt family member 10A; plus strand). Cytogenetic location: 2q35.
Variant type: single nucleotide variant.
Coding change: c.408C>G on transcript NM_025216.3 (MANE Select); coding-DNA position 408, C replaced by G.
Protein change: p.Ile136Met; replaces isoleucine 136 with methionine.
Molecular consequence: missense variant.
Genome position (GRCh38, 1-based): chr2:218,890,015, C>G. VCF-style: chr2-218890015-C-G. GRCh37 (hg19) VCF-style: chr2-219754737-C-G.
Other names: c.408C>G (NM_025216.2); short protein forms I136M.
Identifiers: ClinVar variation 1105615 (VCV001105615.14), dbSNP rs201117517, ClinGen allele CA2113915.

ClinVar aggregate classification (germline): Conflicting classifications of pathogenicity. Review status: criteria provided, conflicting classifications (1 of 4 stars). 4 submissions from 4 submitters: Uncertain significance (2); Likely benign (1). 1 of the submissions does not count toward it. Last evaluated 2026-03-01.

Conditions:
Odonto-onycho-dermal dysplasia. Identifiers: Orphanet 2721, MedGen C0796093, MONDO:0009773, OMIM 257980.
Tooth agenesis, selective, 4 (STHAG4). Also called: SUCCEDANEOUS TEETH, AGENESIS OF; TOOTH AGENESIS, SELECTIVE, 4, WITH OR WITHOUT ECTODERMAL DYSPLASIA; LATERAL INCISORS, ABSENCE OF; LATERAL INCISORS, PEGGED OR MISSING. Identifiers: Orphanet 99798, MedGen C1835492, MONDO:0007881, OMIM 150400. Disease mechanism: loss of function.
WNT10A-related disorder. Also called: WNT10A-related condition; WNT10A-related disorders.

Allele frequency attached by ClinVar (database versions not stated): 1000 Genomes Project 0.00020; 1000 Genomes Project 30x 0.00031; ESP Exome Variant Server 0.00031.
gnomAD v4.1: 140 of 1,613,592 alleles (0.0087%); highest among the groups gnomAD compares: Admixed American, 0.017%; 1 homozygote.

Submissions (4):

CeGaT Center for Human Genetics Tuebingen
Classification: Uncertain significance. Last evaluated: 2026-03-01. Review status: criteria provided, single submitter. Criteria: CeGaT Center For Human Genetics Tuebingen Variant Classification Criteria Version 2. Collection method: clinical testing. Allele origin: germline. Affected: yes. Observed: 1 variant allele.

Labcorp Genetics (formerly Invitae), Labcorp
Classification: Likely benign for Tooth agenesis, selective, 4; Odonto-onycho-dermal dysplasia. Last evaluated: 2026-01-08. Review status: criteria provided, single submitter. Criteria: Invitae Variant Classification Sherloc (09022015). Collection method: clinical testing. Allele origin: germline.

GeneDx
Classification: Uncertain significance. Last evaluated: 2022-11-17. Review status: criteria provided, single submitter. Criteria: GeneDx Variant Classification Process June 2021. Collection method: clinical testing. Allele origin: germline. Affected: yes.
Comment: Has not been previously published as pathogenic or benign to our knowledge; In silico analysis supports that this missense variant does not alter protein structure/function

PreventionGenetics, part of Exact Sciences
Classification: Uncertain significance for WNT10A-related condition. Last evaluated: 2024-07-26. Review status: no assertion criteria provided. Collection method: clinical testing. Allele origin: germline. Not counted in ClinVar's aggregate classification.
Comment: The WNT10A c.408C>G variant is predicted to result in the amino acid substitution p.Ile136Met. To our knowledge, this variant has not been reported in the literature. This variant is reported in 0.029% of alleles in individuals of Ashkenazi Jewish descent in gnomAD. At this time, the clinical significance of this variant is uncertain due to the absence of conclusive functional and genetic evidence.